The following is an entry in ClinVar:

NM_015443.4(KANSL1):c.1355T>C (p.Leu452Pro)

Gene: KANSL1 (KAT8 regulatory NSL complex subunit 1). Cytogenetic location: 17q21.31.
Variant type: single nucleotide variant.
Coding change: c.1355T>C on transcript NM_015443.4 (MANE Select); coding-DNA position 1355, T replaced by C.
Protein change: p.Leu452Pro; replaces leucine 452 with proline.
Molecular consequence: missense variant.
Genome position (GRCh38, 1-based): chr17:46,094,636, A>G on the plus strand (T>C on the coding strand, the complement: KANSL1 is on the minus strand). VCF-style: chr17-46094636-A-G. GRCh37 (hg19) VCF-style: chr17-44172002-A-G.
Other names: c.1355T>C, p.Leu452Pro (NM_001405875.1, NM_001405876.1, NM_001405877.1 and 18 more transcripts); c.89T>C, p.Leu30Pro (NM_001405882.1, NM_001405883.1, NM_001405884.1 and 1 more transcripts); short protein forms L30P, L452P.
Identifiers: ClinVar variation 4531660 (VCV004531660.1).

ClinVar aggregate classification (germline): Uncertain significance (1 of 4 stars; one submission).

Conditions:
Koolen-de Vries syndrome (KDVS). Identifiers: Orphanet 96169, MedGen C1864871, MONDO:0012496, OMIM 610443.

Submission:

Victorian Clinical Genetics Services, Murdoch Childrens Research Institute
Classification: Uncertain significance for Koolen-de Vries syndrome. Last evaluated: 2025-11-03. Review status: criteria provided, single submitter. Criteria: ACMG Guidelines, 2015. Collection method: clinical testing. Allele origin: germline. Affected: yes.
Comment: This variant is classified as VUS-3A. Evidence in support of pathogenic classification: Variant is absent from gnomAD (v2, v3 and v4); Missense variant predicted to be damaging by in silico tool(s) or highly conserved with a major amino acid change. Additional information: Variant is predicted to result in a missense amino acid change from Leu to Pro; This variant is heterozygous; This gene is associated with autosomal dominant disease; This variant has no previous evidence of pathogenicity; No published evidence of segregation with disease has been identified for this variant; No published functional evidence has been identified for this variant; No comparable missense variants have previous evidence for pathogenicity; Variant is not located in an established domain, motif, hotspot or informative constraint region; Loss of function is a known mechanism of disease in this gene and is associated with Koolen-De Vries syndrome (MIM#610443); Inheritance information for this variant is not currently available in this individual.